The following is an entry in ClinVar:

ClinVar aggregate classification (germline): Likely pathogenic (1 of 4 stars; one submission).

Submission:

GeneDx
Classification: Likely pathogenic. Last evaluated: 2026-06-27. Review status: criteria provided, single submitter. Criteria: GeneDx Variant Classification Process June 2021. Collection method: clinical testing. Allele origin: germline.
Comment: Not observed at significant frequency in large population cohorts (gnomAD); In silico analysis suggests that this missense variant does not alter protein structure/function; Has not been previously published as pathogenic or benign to our knowledge.

NM_021008.4(DEAF1):c.689A>C (p.Gln230Pro)

Gene: DEAF1 (DEAF1 transcription factor; minus strand). Cytogenetic location: 11p15.5.
Variant type: single nucleotide variant.
Coding change: c.689A>C on transcript NM_021008.4 (MANE Select); coding-DNA position 689, A replaced by C.
Protein change: p.Gln230Pro; replaces glutamine 230 with proline.
Molecular consequence: missense variant. On other transcripts: 5 prime UTR variant (4), intron variant (1).
Genome position (GRCh38, 1-based): chr11:686,973, T>G on the plus strand (A>C on the coding strand, the complement: DEAF1 is on the minus strand). VCF-style: chr11-686973-T-G. GRCh37 (hg19) VCF-style: chr11-686973-T-G.
Other names: c.-38A>C (NM_001367390.1, NM_001440885.1, NM_001440886.1 and 1 more transcripts); c.689A>C, p.Gln230Pro (NM_001440883.1, NM_001440884.1); c.664+938A>C (NM_001293634.2); short protein forms Q230P.
Identifiers: ClinVar variation 2580565 (VCV002580565.2), dbSNP rs1457790214, ClinGen allele CA378932785.
Genomic context (GRCh38, chr11:686,973, plus strand): 5'-TTACTGCTGGCTCTTCCTGCCATGGCCTCAAACTCGGTGGGACTGTACCAGTTCTCCCCC[T>G]GCTTGATGCACCGTCCCCGGCCGCCTGCAAGGAAGGGCAGCAGTCATGATGATGGCAGGT-3'
Protein context (NP_066288.2, residues 220-240): GSGGRGRCIK[Gln230Pro]GENWYSPTEF